The following is an entry in ClinVar:

ClinVar aggregate classification (germline): Uncertain significance (1 of 4 stars; one submission).

Conditions:
Multiple endocrine neoplasia, type 1 (MEN1). Also called: MEN I; WERMER SYNDROME; Endocrine adenomatosis multiple; MEN 1; MEA I. Identifiers: Orphanet 652, MedGen C0025267, MeSH D018761, MONDO:0007540, OMIM 131100.

Submission:

Labcorp Genetics (formerly Invitae), Labcorp
Classification: Uncertain significance for Multiple endocrine neoplasia, type 1. Last evaluated: 2023-04-08. Review status: criteria provided, single submitter. Criteria: Invitae Variant Classification Sherloc (09022015). Collection method: clinical testing. Allele origin: germline.
Comment: In summary, the available evidence is currently insufficient to determine the role of this variant in disease. Therefore, it has been classified as a Variant of Uncertain Significance. Advanced modeling of protein sequence and biophysical properties (such as structural, functional, and spatial information, amino acid conservation, physicochemical variation, residue mobility, and thermodynamic stability) performed at Invitae indicates that this missense variant is not expected to disrupt MEN1 protein function. This variant has not been reported in the literature in individuals affected with MEN1-related conditions. This variant is not present in population databases (gnomAD no frequency). This sequence change replaces glycine, which is neutral and non-polar, with aspartic acid, which is acidic and polar, at codon 532 of the MEN1 protein (p.Gly532Asp).

NM_001370259.2(MEN1):c.1595G>A (p.Gly532Asp)

Gene: MEN1 (menin 1; minus strand). Cytogenetic location: 11q13.1.
Variant type: single nucleotide variant.
Coding change: c.1595G>A on transcript NM_001370259.2 (MANE Select); coding-DNA position 1595, G replaced by A.
Protein change: p.Gly532Asp; replaces glycine 532 with aspartic acid.
Molecular consequence: missense variant. On other transcripts: non-coding transcript variant (4).
Genome position (GRCh38, 1-based): chr11:64,804,572, C>T on the plus strand (G>A on the coding strand, the complement: MEN1 is on the minus strand). VCF-style: chr11-64804572-C-T. GRCh37 (hg19) VCF-style: chr11-64572044-C-T.
Other names: c.1610G>A, p.Gly537Asp (NM_001407145.1, NM_000244.4, NM_130800.3 and 4 more transcripts); c.1595G>A, p.Gly532Asp (NM_001407146.1, NM_001407147.1, NM_130799.3 and 2 more transcripts); c.1490G>A, p.Gly497Asp (NM_001407148.1, NM_001407149.1, NM_001370262.2 and 1 more transcripts); c.1736G>A, p.Gly579Asp (NM_001407150.1); c.1616G>A, p.Gly539Asp (NM_001407151.1); c.1430G>A, p.Gly477Asp (NM_001407152.1); c.1721G>A, p.Gly574Asp (NM_001370251.2, NM_001407142.1, NM_001407143.1 and 1 more transcripts); short protein forms G477D, G532D, G579D, G497D, G537D, G539D, G574D.
Identifiers: ClinVar variation 2853605 (VCV002853605.3), dbSNP rs2136083648, ClinGen allele CA381178220.